The following is an entry in ClinVar:

NM_014176.4(UBE2T):c.509G>T (p.Gly170Val)

Gene: UBE2T (ubiquitin conjugating enzyme E2 T; minus strand). Cytogenetic location: 1q32.1.
Variant type: single nucleotide variant.
Coding change: c.509G>T on transcript NM_014176.4 (MANE Select); coding-DNA position 509, G replaced by T.
Protein change: p.Gly170Val; replaces glycine 170 with valine.
Molecular consequence: missense variant.
Genome position (GRCh38, 1-based): chr1:202,331,920, C>A on the plus strand (G>T on the coding strand, the complement: UBE2T is on the minus strand). VCF-style: chr1-202331920-C-A. GRCh37 (hg19) VCF-style: chr1-202301048-C-A.
Other names: c.419G>T, p.Gly140Val (NM_001310326.2); short protein forms G140V, G170V.
Identifiers: ClinVar variation 1337447 (VCV001337447.7), dbSNP rs763798312, ClinGen allele CA1332322.

ClinVar aggregate classification (germline): Uncertain significance. Review status: criteria provided, multiple submitters, no conflicts (2 of 4 stars). 2 submissions from 2 submitters: Uncertain significance (2). Last evaluated 2025-02-25.

Allele frequency attached by ClinVar (database versions not stated): gnomAD exomes 0.00001 and 0.00004; gnomAD 0.00003; ExAC 0.00004; TOPMed 0.00004.
gnomAD v4.1: 19 of 1,614,044 alleles (0.0012%); highest among the groups gnomAD compares: East Asian, 0.038%; no homozygotes.

Submissions (2):

Labcorp Genetics (formerly Invitae), Labcorp
Classification: Uncertain significance. Last evaluated: 2025-02-25. Review status: criteria provided, single submitter. Criteria: Invitae Variant Classification Sherloc (09022015). Collection method: clinical testing. Allele origin: germline.
Comment: This sequence change replaces glycine, which is neutral and non-polar, with valine, which is neutral and non-polar, at codon 170 of the UBE2T protein (p.Gly170Val). This variant is present in population databases (rs763798312, gnomAD 0.05%). This variant has not been reported in the literature in individuals affected with UBE2T-related conditions. ClinVar contains an entry for this variant (Variation ID: 1337447). An algorithm developed to predict the effect of missense changes on protein structure and function (PolyPhen-2) suggests that this variant is likely to be tolerated. In summary, the available evidence is currently insufficient to determine the role of this variant in disease. Therefore, it has been classified as a Variant of Uncertain Significance.

Genetic Services Laboratory, University of Chicago
Classification: Uncertain significance. Last evaluated: 2019-11-21. Review status: criteria provided, single submitter. Criteria: ACMG Guidelines, 2015. Collection method: clinical testing. Allele origin: germline. Affected: no.